The following is an entry in ClinVar:

NM_015272.5(RPGRIP1L):c.2959-21G>A

Gene: RPGRIP1L (RPGRIP1 like; minus strand). Cytogenetic location: 16q12.2.
Variant type: single nucleotide variant.
Coding change: c.2959-21G>A on transcript NM_015272.5 (MANE Select); 21 bases into the intron before coding-DNA position 2959, G replaced by A.
Molecular consequence: intron variant.
Genome position (GRCh38, 1-based): chr16:53,638,432, C>T on the plus strand (G>A on the coding strand, the complement: RPGRIP1L is on the minus strand). VCF-style: chr16-53638432-C-T. GRCh37 (hg19) VCF-style: chr16-53672344-C-T.
Other names: c.2959-578G>A (NM_001127897.4, NM_001330538.2); c.2959-21G>A (NM_001308334.3).
Identifiers: ClinVar variation 3357379 (VCV003357379.1).

ClinVar aggregate classification (germline): Likely benign (0 of 4 stars; one submission).

Conditions:
RPGRIP1L-related disorder. Also called: RPGRIP1L-related condition; RPGRIP1L-related disorders. Identifiers: MedGen CN239416.

gnomAD v4.1: 118 of 1,220,886 alleles (0.0097%); highest among the groups gnomAD compares: South Asian, 0.096%; 1 homozygote.

Submission:

PreventionGenetics, part of Exact Sciences
Classification: Likely benign for RPGRIP1L-related condition. Last evaluated: 2024-06-22. Review status: no assertion criteria provided. Collection method: clinical testing. Allele origin: germline.
Comment: This variant is classified as likely benign based on ACMG/AMP sequence variant interpretation guidelines (Richards et al. 2015 PMID: 25741868, with internal and published modifications).